The following is an entry in ClinVar:

ClinVar aggregate classification (germline): Uncertain significance (1 of 4 stars; one submission).

Submission:

GeneDx
Classification: Uncertain significance. Last evaluated: 2024-05-14. Review status: criteria provided, single submitter. Criteria: GeneDx Variant Classification Process June 2021. Collection method: clinical testing. Allele origin: germline. Affected: yes.
Comment: In silico analysis indicates that this missense variant does not alter protein structure/function; Has not been previously published as pathogenic or benign to our knowledge

NM_001099857.5(IKBKG):c.529G>A (p.Ala177Thr)

Gene: IKBKG (inhibitor of nuclear factor kappa B kinase regulatory subunit gamma; plus strand). Cytogenetic location: Xq28.
Variant type: single nucleotide variant.
Coding change: c.529G>A on transcript NM_001099857.5 (MANE Select); coding-DNA position 529, G replaced by A.
Protein change: p.Ala177Thr; replaces alanine 177 with threonine.
Molecular consequence: missense variant. On other transcripts: intron variant (3).
Genome position (GRCh38, 1-based): chrX:154,560,417, G>A. VCF-style: chrX-154560417-G-A. GRCh37 (hg19) VCF-style: chrX-153788632-G-A.
Other names: c.733G>A, p.Ala245Thr (NM_001099856.6); c.529G>A, p.Ala177Thr (NM_001321396.3, NM_001377312.1, NM_003639.4); c.526G>A, p.Ala176Thr (NM_001321397.3, NM_001377313.1); c.519-1271G>A (NM_001145255.4); c.516-1271G>A (NM_001377314.1); c.400-2393G>A (NM_001377315.1); short protein forms A176T, A177T, A245T.
Identifiers: ClinVar variation 3378156 (VCV003378156.1).
Genomic context (GRCh38, chrX:154,560,417, plus strand): 5'-CTGCCGTCCCCCCGTTCGTCCTCCCTGAGTCTGCTCTTTCCCCGTGCCAGGGCCCGGGCG[G>A]CCAGCGAGCAGGCGCGGCAGCTGGAGAGTGAGCGCGAGGCGCTGCAGCAGCAGCACAGCG-3'
Protein context (NP_001093327.1, residues 167-187): CQALEGRARA[Ala177Thr]SEQARQLESE